The following is an entry in ClinVar:

NM_001854.4(COL11A1):c.1488G>A (p.Pro496=)

Gene: COL11A1 (collagen type XI alpha 1 chain; minus strand). Cytogenetic location: 1p21.1.
Variant type: single nucleotide variant.
Coding change: c.1488G>A on transcript NM_001854.4 (MANE Select); coding-DNA position 1488, G replaced by A.
Protein change: p.Pro496=; no amino-acid change (proline 496 retained).
Molecular consequence: synonymous variant. On other transcripts: non-coding transcript variant (1).
Genome position (GRCh38, 1-based): chr1:103,015,668, C>T on the plus strand (G>A on the coding strand, the complement: COL11A1 is on the minus strand). VCF-style: chr1-103015668-C-T. GRCh37 (hg19) VCF-style: chr1-103481224-C-T.
Other names: p.Pro496=; c.1371G>A, p.Pro457= (NM_001190709.2); c.1524G>A, p.Pro508= (NM_080629.3); c.1140G>A, p.Pro380= (NM_080630.4).
Identifiers: ClinVar variation 392656 (VCV000392656.8), dbSNP rs772310071, ClinGen allele CA974968.

ClinVar aggregate classification (germline): Uncertain significance. Review status: criteria provided, multiple submitters, no conflicts (2 of 4 stars). 3 submissions from 3 submitters: Uncertain significance (3). Last evaluated 2025-12-20.

Allele frequency attached by ClinVar (database versions not stated): gnomAD exomes 0.00002; gnomAD 0.00003; TOPMed 0.00003.
gnomAD v4.1: 25 of 1,601,790 alleles (0.0016%); highest among the groups gnomAD compares: Non-Finnish European, 0.002%; no homozygotes.

Submissions (3):

Labcorp Genetics (formerly Invitae), Labcorp
Classification: Uncertain significance. Last evaluated: 2025-12-20. Review status: criteria provided, single submitter. Criteria: Invitae Variant Classification Sherloc (09022015). Collection method: clinical testing. Allele origin: germline.
Comment: This sequence change affects codon 496 of the COL11A1 mRNA. It is a 'silent' change, meaning that it does not change the encoded amino acid sequence of the COL11A1 protein. This variant also falls at the last nucleotide of exon 12, which is part of the consensus splice site for this exon. This variant is present in population databases (rs772310071, gnomAD 0.005%). This variant has not been reported in the literature in individuals affected with COL11A1-related conditions. ClinVar contains an entry for this variant (Variation ID: 392656). Variants that disrupt the consensus splice site are a relatively common cause of aberrant splicing (PMID: 17576681, 9536098). Algorithms developed to predict the effect of sequence changes on RNA splicing suggest that this variant may disrupt the consensus splice site. In summary, the available evidence is currently insufficient to determine the role of this variant in disease. Therefore, it has been classified as a Variant of Uncertain Significance.

Mayo Clinic Laboratories, Mayo Clinic
Classification: Uncertain significance. Last evaluated: 2022-09-22. Review status: criteria provided, single submitter. Criteria: ACMG Guidelines, 2015. Collection method: clinical testing. Allele origin: germline. Observed: 1 variant allele.
Comment: PM2

GeneDx
Classification: Uncertain significance. Last evaluated: 2017-01-20. Review status: criteria provided, single submitter. Criteria: GeneDx Variant Classification (06012015). Collection method: clinical testing. Allele origin: germline. Affected: yes.
Comment: The c.1488 G>A variant in the COL11A1 gene has not been reported previously as a pathogenic variant nor as a benign variant, to our knowledge. This variant reduces the quality of the splice donor site in intron 12, and is expected to cause abnormal gene splicing. The c.1488 G>A variant was not observed in approximately 6500 individuals of European and African American ancestry in the NHLBI Exome Sequencing Project, indicating it is not a common benign variant in these populations. We interpret COL11A1 as a variant of uncertain significance.

Literature cited by the submitters: PubMed 17576681 (cited by Labcorp Genetics (formerly Invitae), Labcorp); PubMed 9536098 (cited by Labcorp Genetics (formerly Invitae), Labcorp).